The following is an entry in ClinVar:

ClinVar aggregate classification (germline): Pathogenic/Likely pathogenic. Review status: criteria provided, multiple submitters, no conflicts (2 of 4 stars). 25 submissions from 22 submitters: Pathogenic (15); Likely pathogenic (1). 9 of the submissions do not count toward it. Last evaluated 2026-07-30.

Conditions:
Macular dystrophy. Identifiers: MedGen C0730292, HP:0007754.
PROM1-related disorder. Also called: PROM1-related disorders; PROM1-related condition.
Retinal dystrophy. Also called: Inherited retinal dystrophy. Identifiers: Orphanet 71862, MedGen C0854723, MeSH D058499, MONDO:0019118, HP:0000556.
Retinitis pigmentosa 41 (RP41). Also called: RETINAL DEGENERATION, AUTOSOMAL RECESSIVE, PROMININ-RELATED. Identifiers: Orphanet 791, MedGen C2677516, MONDO:0012796, OMIM 612095.
Retinal macular dystrophy type 2 (MCDR2). Also called: Bull's eye macular dystrophy. Identifiers: Orphanet 319640, MedGen C4749334, MONDO:0011957, OMIM 608051.
Stargardt disease 4 (STGD4). Identifiers: Orphanet 827, MedGen C1863534, MONDO:0011370, OMIM 603786.
Cone-rod dystrophy 12 (CORD12). Identifiers: Orphanet 1872, MedGen C2675210, MONDO:0012983, OMIM 612657.
Retinitis pigmentosa (RP). Identifiers: Orphanet 791, MedGen C0035334, MeSH D012174, MONDO:0019200, OMIM 268000. Inheritance: Autosomal dominant, autosomal recessive and X linked inheritance.
Stargardt disease (FFM). Also called: Stargardt's disease; Fundus flavimaculatus. Identifiers: Orphanet 827, MedGen C0271093, MONDO:0019353.
Retinal disorder. Also called: Retinopathies; Retinal Diseases; Retinal disorders; Retinopathy. Identifiers: MedGen C0035309, MONDO:0005283, HP:0000488.

Allele frequency attached by ClinVar (database versions not stated): gnomAD exomes below 0.00001; TOPMed below 0.00001.
gnomAD v4.1: 2 of 1,609,186 alleles (0.00012%); highest among the groups gnomAD compares: Non-Finnish European, 0.000085%; no homozygotes.

Submissions 1 to 13 of 25:

PreventionGenetics, part of Exact Sciences
Classification: Pathogenic for PROM1-related condition. Last evaluated: 2026-07-30. Review status: criteria provided, single submitter. Criteria: ACMG Guidelines, 2015. Collection method: clinical testing. Allele origin: germline.
Comment: The PROM1 c.1117C>T variant is predicted to result in the amino acid substitution p.Arg373Cys. This variant has been reported in several individuals with macular degeneration (see for examples: Yang et al. 2008. PubMed ID: 18654668; Michaelides et al. 2010. PubMed ID: 20393116; Martin-Merida et al. 2018. PubMed ID: 29847639). This variant has segregated in the heterozygous state in five unrelated kindreds with autosomal dominant PROM1-associated conditions (Michaelides et al. 2010. PubMed ID: 20393116). Functional studies revealed that this variant results in protein mislocalization and reduced actin binding (Yang et al. 2008. PubMed ID: 18654668). This variant is present in 0.0099% of alleles in individuals of Ashkenazi Jewish descent in gnomAD. Given the evidence, we interpret this variant as pathogenic for autosomal dominant PROM1-related disease.

Labcorp Genetics (formerly Invitae), Labcorp
Classification: Pathogenic. Last evaluated: 2026-01-29. Review status: criteria provided, single submitter. Criteria: Invitae Variant Classification Sherloc (09022015). Collection method: clinical testing. Allele origin: germline.
Comment: This sequence change replaces arginine, which is basic and polar, with cysteine, which is neutral and slightly polar, at codon 373 of the PROM1 protein (p.Arg373Cys). The frequency data for this variant in the population databases is considered unreliable, as metrics indicate poor data quality at this position in the gnomAD database. This missense change has been observed in individual(s) with autosomal dominant forms of retinal dystrophy (PMID: 18654668, 20393116, 22183351, 28559085, 29847639). It has also been observed to segregate with disease in related individuals. ClinVar contains an entry for this variant (Variation ID: 5610). Invitae Evidence Modeling of protein sequence and biophysical properties (such as structural, functional, and spatial information, amino acid conservation, physicochemical variation, residue mobility, and thermodynamic stability) indicates that this missense variant is not expected to disrupt PROM1 protein function with a negative predictive value of 80%. Experimental studies have shown that this missense change affects PROM1 function (PMID: 18654668). For these reasons, this variant has been classified as Pathogenic.

Genetics Laboratory, Great Ormond Street Hospital NHS Foundation Trust, North Thames Genomic Laboratory Hub
Classification: Pathogenic for Retinal disorders. Last evaluated: 2025-09-05. Review status: criteria provided, single submitter. Criteria: ACGS Best Practice Guidelines for Variant Classification in Rare Disease 2024 v1.2. Collection method: clinical testing. Allele origin: germline. Affected: yes.
Comment: PS4_moderate, PM2_moderate, PS3_strong, PP1_strong

GeneDx
Classification: Pathogenic. Last evaluated: 2025-08-26. Review status: criteria provided, single submitter. Criteria: GeneDx Variant Classification Process June 2021. Collection method: clinical testing. Allele origin: germline. Affected: yes.
Comment: Transgenic mice carrying the R373C variant show progressive retinal abnormalities, and functional studies demonstrate a damaging effect with reduced actin binding as well as protein mislocalization (PMID: 18654668); In silico analysis supports that this missense variant has a deleterious effect on protein structure/function; Not observed at significant frequency in large population cohorts (gnomAD); This variant is associated with the following publications: (PMID: 28840994, 29847639, 12657606, 23161075, 25356976, 26667666, 25133751, 28559085, 32531858, 31144483, 31129250, 10205271, 25590640, 27624628, 28076437, 27160483, 26103963, 20393116, 28041643, 23891399, 31054281, 32820593, 32534057, 31736247, 32581362, 34008001, 33090715, 30653986, 22581970, 22183351, 20859302, 29555955, 36259723, 38072963, 36460718, 31213501, 36729443, 36819107, 36909829, 33749171, 36284460, 37734845, 30926958, 18654668, 38219857, 39127396)

3billion
Classification: Pathogenic for Retinal macular dystrophy type 2. Last evaluated: 2025-06-11. Review status: criteria provided, single submitter. Criteria: ACMG Guidelines, 2015. Collection method: clinical testing. Allele origin: germline. Affected: yes.
Comment: The variant is observed at an extremely low frequency in the gnomAD v4.1.0 dataset (total allele frequency: <0.001%). Predicted Consequence/Location: Missense variant. The majority of the known disease-causing variants of this gene are variants expected to result in premature termination of the protein. Functional studies provide strong evidence of the variant having a damaging effect on the gene or gene product (PMID: 18654668). In silico tool predictions suggest damaging effect of the variant on gene or gene product [3Cnet: 0.78 (> 0.75, sensitivity 0.96 and precision 0.92)]. The same nucleotide change resulting in the same amino acid change has been previously reported as pathogenic/likely pathogenic with strong evidence (ClinVar ID: VCV000005610 /PMID: 18654668 /3billion dataset). The variant has been reported to co-segregate with the disease in at least 3 similarly affected relatives/individuals in the same family or similarly affected unrelated families (PMID: 18654668, 20393116, 22183351, 28559085, 29847639). Therefore, this variant is classified as Pathogenic according to the recommendation of ACMG/AMP guideline.

SingHealth Duke-NUS Institute of Precision Medicine
Classification: Likely pathogenic for Retinal macular dystrophy type 2. Last evaluated: 2025-02-05. Review status: criteria provided, single submitter. Criteria: PRISM ACMG Classification Criteria. Collection method: clinical testing. Allele origin: germline. Affected: yes.
Comment: Variant is not found in gnomAD genomes, and frequency in gnomAD exomes is < 0.00001 (PM2). Functional study shows that this variant affects PROM1 function (PS3, PMID: 18654668). There is cosegregation with the disease phenotypes in multiple families observed in multiple studies (PP1_str, internal data, PMID: 20393116;28041643;25356976;22183351;18654668)

Blueprint Genetics
Classification: Pathogenic for PROM1-related disorders. Last evaluated: 2024-09-11. Review status: criteria provided, single submitter. Criteria: ACMG Guidelines, 2015. Collection method: clinical testing. Allele origin: germline. Affected: yes. Observed: 5 variant alleles.

Dept Of Ophthalmology, Nagoya University
Classification: Pathogenic for Retinal dystrophy. Last evaluated: 2023-10-01. Review status: criteria provided, single submitter. Criteria: Submitter's publication. Collection method: research. Allele origin: germline. Affected: yes.

Ophthalmic Genetics Group, Institute of Molecular and Clinical Ophthalmology Basel
Classification: Pathogenic for Retinal macular dystrophy type 2. Last evaluated: 2023-07-24. Review status: criteria provided, single submitter. Criteria: ACMG Guidelines, 2015. Collection method: research. Allele origin: germline. Affected: yes. Observed: 1 variant allele.
Comment: Clinical significance based on ACMG v2.0

This variant was classified as Pathogenic based on ACMG criteria: PP5, PM2, PS4.

Institute of Human Genetics, Univ. Regensburg, Univ. Regensburg
Classification: Pathogenic for Retinal dystrophy. Last evaluated: 2023-01-01. Review status: criteria provided, single submitter. Criteria: ACMG Guidelines, 2015. Collection method: clinical testing. Allele origin: germline. Affected: yes.

Fulgent Genetics
Classification: Pathogenic for Stargardt disease 4; Retinal macular dystrophy type 2; Retinitis pigmentosa 41; Cone-rod dystrophy 12. Last evaluated: 2022-05-18. Review status: criteria provided, single submitter. Criteria: ACMG Guidelines, 2015. Collection method: clinical testing. Allele origin: unknown.

CeGaT Center for Human Genetics Tuebingen
Classification: Pathogenic. Last evaluated: 2022-05-01. Review status: criteria provided, single submitter. Criteria: CeGaT Center For Human Genetics Tuebingen Variant Classification Criteria Version 2. Collection method: clinical testing. Allele origin: germline. Affected: yes. Observed: 4 variant alleles.
Comment: PROM1: PP1:Strong, PS4, PM2, PP4, PS3:Supporting, BP4

Institute of Medical Genetics and Applied Genomics, University Hospital Tübingen
Classification: Pathogenic. Last evaluated: 2021-06-17. Review status: criteria provided, single submitter. Criteria: ACMG Guidelines, 2015. Collection method: clinical testing. Allele origin: germline. Inheritance: Autosomal dominant inheritance. Affected: yes.

NM_006017.3(PROM1):c.1117C>T (p.Arg373Cys)

Gene: PROM1 (prominin 1; minus strand). Cytogenetic location: 4p15.32.
Variant type: single nucleotide variant.
Coding change: c.1117C>T on transcript NM_006017.3 (MANE Select); coding-DNA position 1117, C replaced by T.
Protein change: p.Arg373Cys; replaces arginine 373 with cysteine.
Molecular consequence: missense variant.
Genome position (GRCh38, 1-based): chr4:16,013,299, G>A on the plus strand (C>T on the coding strand, the complement: PROM1 is on the minus strand). VCF-style: chr4-16013299-G-A. GRCh37 (hg19) VCF-style: chr4-16014922-G-A.
Other names: NP_006008.1:p.(Arg373Cys); c.1090C>T, p.Arg364Cys (NM_001145847.2, NM_001145848.2, NM_001145851.2 and 4 more transcripts); c.1117C>T, p.Arg373Cys (NM_001145849.2, NM_001145850.2); short protein forms R373C, R364C.
Identifiers: ClinVar variation 5610 (VCV000005610.77), dbSNP rs137853006, ClinGen allele CA117645.